The following is an entry in ClinVar:

NM_001330700.2(TOP2B):c.3482A>G (p.Glu1161Gly)

Gene: TOP2B (DNA topoisomerase II beta; minus strand). Cytogenetic location: 3p24.2.
Variant type: single nucleotide variant.
Coding change: c.3482A>G on transcript NM_001330700.2 (MANE Select); coding-DNA position 3482, A replaced by G.
Protein change: p.Glu1161Gly; replaces glutamic acid 1161 with glycine.
Molecular consequence: missense variant.
Genome position (GRCh38, 1-based): chr3:25,615,456, T>C on the plus strand (A>G on the coding strand, the complement: TOP2B is on the minus strand). VCF-style: chr3-25615456-T-C. GRCh37 (hg19) VCF-style: chr3-25656947-T-C.
Other names: c.3467A>G, p.Glu1156Gly (NM_001068.3); short protein forms E1161G, E1156G.
Identifiers: ClinVar variation 1371921 (VCV001371921.6), dbSNP rs369059292, ClinGen allele CA2288312.
Genomic context (GRCh38, chr3:25,615,456, plus strand): 5'-TAGTTTCAAACTATTTAACCCACAAAAGTTCATACTTTTGCATCTCTCTGTTTAATCAGT[T>C]CTTCAACTTTTTCTTTAGTAAGAGACCACAGAGACATATTTAAAATATAATTAAAATCTG-3'
Protein context (NP_001317629.1, residues 1151-1171): LWSLTKEKVE[Glu1161Gly]LIKQRDAKGR

ClinVar aggregate classification (germline): Uncertain significance (1 of 4 stars; one submission).

Allele frequency attached by ClinVar (database versions not stated): gnomAD exomes below 0.00001; ExAC 0.00002; ESP Exome Variant Server 0.00009.
gnomAD v4.1: 4 of 1,563,470 alleles (0.00026%); highest among the groups gnomAD compares: Non-Finnish European, 0.00035%; no homozygotes.

Submission:

Labcorp Genetics (formerly Invitae), Labcorp
Classification: Uncertain significance. Last evaluated: 2022-09-09. Review status: criteria provided, single submitter. Criteria: Invitae Variant Classification Sherloc (09022015). Collection method: clinical testing. Allele origin: germline.
Comment: This sequence change replaces glutamic acid, which is acidic and polar, with glycine, which is neutral and non-polar, at codon 1156 of the TOP2B protein (p.Glu1156Gly). This variant is not present in population databases (gnomAD no frequency). This variant has not been reported in the literature in individuals affected with TOP2B-related conditions. ClinVar contains an entry for this variant (Variation ID: 1371921). Algorithms developed to predict the effect of missense changes on protein structure and function are either unavailable or do not agree on the potential impact of this missense change (SIFT: "Deleterious"; PolyPhen-2: "Benign"; Align-GVGD: "Class C15"). In summary, the available evidence is currently insufficient to determine the role of this variant in disease. Therefore, it has been classified as a Variant of Uncertain Significance.